The following is an entry in ClinVar:

ClinVar aggregate classification (germline): Uncertain significance (1 of 4 stars; one submission).

Conditions:
Charcot-Marie-Tooth disease axonal type 2O. Also called: CHARCOT-MARIE-TOOTH NEUROPATHY, AXONAL, TYPE 2O; CHARCOT-MARIE-TOOTH DISEASE, AXONAL, AUTOSOMAL DOMINANT, TYPE 2O; Charcot-Marie-Tooth Neuropathy Type 2O; Charcot-Marie-Tooth disease, axonal, type 20. Identifiers: Orphanet 284232, MedGen C3280220, MONDO:0013644, OMIM 614228.

Submission:

Labcorp Genetics (formerly Invitae), Labcorp
Classification: Uncertain significance for Charcot-Marie-Tooth disease axonal type 2O. Last evaluated: 2023-09-20. Review status: criteria provided, single submitter. Criteria: Invitae Variant Classification Sherloc (09022015). Collection method: clinical testing. Allele origin: germline.
Comment: In summary, the available evidence is currently insufficient to determine the role of this variant in disease. Therefore, it has been classified as a Variant of Uncertain Significance. Advanced modeling of protein sequence and biophysical properties (such as structural, functional, and spatial information, amino acid conservation, physicochemical variation, residue mobility, and thermodynamic stability) performed at Invitae indicates that this missense variant is not expected to disrupt DYNC1H1 protein function. This variant has not been reported in the literature in individuals affected with DYNC1H1-related conditions. This variant is not present in population databases (gnomAD no frequency). This sequence change replaces serine, which is neutral and polar, with phenylalanine, which is neutral and non-polar, at codon 4498 of the DYNC1H1 protein (p.Ser4498Phe).

NM_001376.5(DYNC1H1):c.13493C>T (p.Ser4498Phe)

Gene: DYNC1H1 (dynein cytoplasmic 1 heavy chain 1; plus strand). Cytogenetic location: 14q32.31.
Variant type: single nucleotide variant.
Coding change: c.13493C>T on transcript NM_001376.5 (MANE Select); coding-DNA position 13493, C replaced by T.
Protein change: p.Ser4498Phe; replaces serine 4498 with phenylalanine.
Molecular consequence: missense variant.
Genome position (GRCh38, 1-based): chr14:102,049,560, C>T. VCF-style: chr14-102049560-C-T. GRCh37 (hg19) VCF-style: chr14-102515897-C-T.
Other names: short protein forms S4498F.
Identifiers: ClinVar variation 2984971 (VCV002984971.3), dbSNP rs2503888578, ClinGen allele CA391049549.